The following is an entry in ClinVar:

NM_002972.4(SBF1):c.5595G>A (p.Thr1865=)

Gene: SBF1 (SET binding factor 1; minus strand). Cytogenetic location: 22q13.33.
Variant type: single nucleotide variant.
Coding change: c.5595G>A on transcript NM_002972.4 (MANE Select); coding-DNA position 5595, G replaced by A.
Protein change: p.Thr1865=; no amino-acid change (threonine 1865 retained).
Molecular consequence: synonymous variant.
Genome position (GRCh38, 1-based): chr22:50,447,229, C>T on the plus strand (G>A on the coding strand, the complement: SBF1 is on the minus strand). VCF-style: chr22-50447229-C-T. GRCh37 (hg19) VCF-style: chr22-50885658-C-T.
Other names: c.5520G>A, p.Thr1840= (NM_001365819.1).
Identifiers: ClinVar variation 994230 (VCV000994230.32), dbSNP rs371139013, ClinGen allele CA10315755.

ClinVar aggregate classification (germline): Likely benign. Review status: criteria provided, multiple submitters, no conflicts (2 of 4 stars). 3 submissions from 3 submitters: Likely benign (3). Last evaluated 2025-12-23.

Conditions:
Charcot-Marie-Tooth disease type 4B3. Also called: Charcot-Marie-Tooth Neuropathy Type 4B3; CHARCOT-MARIE-TOOTH DISEASE, DEMYELINATING, TYPE 4B3. Identifiers: Orphanet 363981, MedGen C3695063, MONDO:0014117, OMIM 615284.

Allele frequency attached by ClinVar (database versions not stated): 1000 Genomes Project 30x 0.00016; ESP Exome Variant Server 0.00016; gnomAD 0.00017 and 0.00019; 1000 Genomes Project 0.00020; TOPMed 0.00020; gnomAD exomes 0.00024; ExAC 0.00026.
gnomAD v4.1: 341 of 1,613,988 alleles (0.021%); highest among the groups gnomAD compares: South Asian, 0.029%; no homozygotes.

Submissions (3):

Labcorp Genetics (formerly Invitae), Labcorp
Classification: Likely benign. Last evaluated: 2025-12-23. Review status: criteria provided, single submitter. Criteria: Invitae Variant Classification Sherloc (09022015). Collection method: clinical testing. Allele origin: germline.

CeGaT Center for Human Genetics Tuebingen
Classification: Likely benign. Last evaluated: 2024-07-01. Review status: criteria provided, single submitter. Criteria: CeGaT Center For Human Genetics Tuebingen Variant Classification Criteria Version 2. Collection method: clinical testing. Allele origin: germline. Affected: yes. Observed: 1 variant allele.
Comment: SBF1: BP4, BP7

ARUP Laboratories, Molecular Genetics and Genomics, ARUP Laboratories
Classification: Likely benign for Charcot-Marie-Tooth disease type 4B3. Last evaluated: 2020-01-20. Review status: criteria provided, single submitter. Criteria: ARUP Molecular Germline Variant Investigation Process. Collection method: clinical testing. Allele origin: germline.